The following is an entry in ClinVar:

ClinVar aggregate classification (germline): Uncertain significance (1 of 4 stars; one submission).

Allele frequency attached by ClinVar (database versions not stated): gnomAD exomes below 0.00001.
gnomAD v4.1: 1 of 1,609,476 alleles (0.000062%); highest among the groups gnomAD compares: Non-Finnish European, 0.000085%; no homozygotes.

Submission:

GeneDx
Classification: Uncertain significance. Last evaluated: 2026-04-07. Review status: criteria provided, single submitter. Criteria: GeneDx Variant Classification Process June 2021. Collection method: clinical testing. Allele origin: germline.
Comment: Not observed at significant frequency in large population cohorts (gnomAD); In silico analysis suggests that this missense variant does not alter protein structure/function; Has not been previously published as pathogenic or benign to our knowledge

NM_014727.3(KMT2B):c.6127T>G (p.Ser2043Ala)

Gene: KMT2B (lysine methyltransferase 2B; plus strand). Cytogenetic location: 19q13.12.
Variant type: single nucleotide variant.
Coding change: c.6127T>G on transcript NM_014727.3 (MANE Select); coding-DNA position 6127, T replaced by G.
Protein change: p.Ser2043Ala; replaces serine 2043 with alanine.
Molecular consequence: missense variant.
Genome position (GRCh38, 1-based): chr19:35,732,676, T>G. VCF-style: chr19-35732676-T-G. GRCh37 (hg19) VCF-style: chr19-36223577-T-G.
Other names: short protein forms S2043A.
Identifiers: ClinVar variation 2580612 (VCV002580612.2), dbSNP rs2513351965, ClinGen allele CA405425779.